The following is an entry in ClinVar:

NM_001370298.3(FGD4):c.2444dup (p.Ala816fs)

Gene: FGD4 (FYVE, RhoGEF and PH domain containing 4; plus strand). Cytogenetic location: 12p11.21.
Variant type: Duplication.
Coding change: c.2444dup on transcript NM_001370298.3 (MANE Select); coding-DNA position 2444, one base duplicated (G; older notation c.2444dupG).
Protein change: p.Ala816fs; shifts the reading frame from alanine 816.
Molecular consequence: frameshift variant.
Genome position (GRCh38, 1-based): chr12:32,638,785, G duplicated; the last of 2 consecutive G bases (chr12:32,638,784-32,638,785); duplicating either gives the same sequence. VCF-style (leftmost placement, unchanged base first): chr12-32638783-T-TG. GRCh37 (hg19) VCF-style: chr12-32791717-T-TG.
Other names: c.2288dup, p.Ala764Cysfs (NM_001304481.2); c.1289dup, p.Ala431fs (NM_001304483.2); c.1001dup, p.Ala335fs (NM_001304484.2); c.1754dup, p.Ala586fs (NM_001330373.2, NM_001330374.2, NM_001384130.1); c.1481dup, p.Ala495fs (NM_001370297.1); c.2444dup, p.Ala816fs (NM_001384126.1); c.2033dup, p.Ala679fs (NM_001384127.1, NM_001384128.1, NM_001385118.1 and 1 more transcripts); short protein forms A816fs, A586fs, A764fs, A431fs, A495fs, A679fs, A335fs.
Identifiers: ClinVar variation 1454145 (VCV001454145.8), dbSNP rs2137076976, ClinGen allele CA2573148561.

ClinVar aggregate classification (germline): Pathogenic (1 of 4 stars; one submission).

Conditions:
Charcot-Marie-Tooth disease type 4. Also called: Charcot-Marie-Tooth disease, type IV; Charcot-Marie-Tooth, Type 4. Identifiers: Orphanet 64749, MedGen C4082197, MONDO:0018995.

Submission:

Labcorp Genetics (formerly Invitae), Labcorp
Classification: Pathogenic for Charcot-Marie-Tooth disease type 4. Last evaluated: 2021-03-24. Review status: criteria provided, single submitter. Criteria: Invitae Variant Classification Sherloc (09022015). Collection method: clinical testing. Allele origin: germline.
Comment: This variant is not present in population databases (ExAC no frequency). This sequence change creates a premature translational stop signal (p.Ala679Cysfs*20) in the FGD4 gene. While this is not anticipated to result in nonsense mediated decay, it is expected to disrupt the last 88 amino acid(s) of the FGD4 protein. This variant has not been reported in the literature in individuals with FGD4-related conditions. For these reasons, this variant has been classified as Pathogenic. This variant disrupts the C-terminus of the FGD4 protein. Other variant(s) that disrupt this region (p.Ala738Serfs*5) have been determined to be pathogenic (PMID: 31152969). This suggests that variants that disrupt this region of the protein are likely to be causative of disease.

Literature cited by the submitters: PubMed 31152969.